The following is an entry in ClinVar:

ClinVar aggregate classification (germline): Uncertain significance (1 of 4 stars; one submission).

Submission:

Labcorp Genetics (formerly Invitae), Labcorp
Classification: Uncertain significance. Last evaluated: 2020-10-09. Review status: criteria provided, single submitter. Criteria: Invitae Variant Classification Sherloc (09022015). Collection method: clinical testing. Allele origin: germline.
Comment: In summary, the available evidence is currently insufficient to determine the role of this variant in disease. Therefore, it has been classified as a Variant of Uncertain Significance. Advanced modeling of protein sequence and biophysical properties (such as structural, functional, and spatial information, amino acid conservation, physicochemical variation, residue mobility, and thermodynamic stability) performed at Invitae indicates that this missense variant is not expected to disrupt STAG1 protein function. This variant has not been reported in the literature in individuals with STAG1-related conditions. This variant is not present in population databases (ExAC no frequency). This sequence change replaces glycine with valine at codon 1141 of the STAG1 protein (p.Gly1141Val). The glycine residue is moderately conserved and there is a moderate physicochemical difference between glycine and valine.

NM_005862.3(STAG1):c.3422G>T (p.Gly1141Val)

Gene: STAG1 (STAG1 cohesin complex component; minus strand). Cytogenetic location: 3q22.3.
Variant type: single nucleotide variant.
Coding change: c.3422G>T on transcript NM_005862.3 (MANE Select); coding-DNA position 3422, G replaced by T.
Protein change: p.Gly1141Val; replaces glycine 1141 with valine.
Molecular consequence: missense variant.
Genome position (GRCh38, 1-based): chr3:136,343,856, C>A on the plus strand (G>T on the coding strand, the complement: STAG1 is on the minus strand). VCF-style: chr3-136343856-C-A. GRCh37 (hg19) VCF-style: chr3-136062698-C-A.
Other names: short protein forms G1141V.
Identifiers: ClinVar variation 1047329 (VCV001047329.8), dbSNP rs1936103411, ClinGen allele CA354652493.
Genomic context (GRCh38, chr3:136,343,856, plus strand): 5'-GGCTTTTTGTGAAAAAGACAAATTTTTGCTACTTACTTGTGTAAAAAGTCTGGTTCAGAA[C>A]CATGTTCAGACTCAGGTTCTTGAATCTGGTCTCCCATGGGCCGACTGTTCTCCCGCAGTA-3'
Protein context (NP_005853.2, residues 1131-1151): DQIQEPESEH[Gly1141Val]SEPDFLHNPQ